The following is an entry in ClinVar:

NM_024408.4(NOTCH2):c.6893G>A (p.Arg2298Gln)

Gene: NOTCH2 (notch receptor 2; minus strand). Cytogenetic location: 1p12.
Variant type: single nucleotide variant.
Coding change: c.6893G>A on transcript NM_024408.4 (MANE Select); coding-DNA position 6893, G replaced by A.
Protein change: p.Arg2298Gln; replaces arginine 2298 with glutamine.
Molecular consequence: missense variant.
Genome position (GRCh38, 1-based): chr1:119,915,829, C>T on the plus strand (G>A on the coding strand, the complement: NOTCH2 is on the minus strand). VCF-style: chr1-119915829-C-T. GRCh37 (hg19) VCF-style: chr1-120458452-C-T.
Other names: c.6893G>A (NM_024408.3); short protein forms R2298Q.
Identifiers: ClinVar variation 291198 (VCV000291198.19), dbSNP rs140832430, ClinGen allele CA1039360.

ClinVar aggregate classification (germline): Conflicting classifications of pathogenicity. Review status: criteria provided, conflicting classifications (1 of 4 stars). 5 submissions from 5 submitters: Uncertain significance (2); Likely benign (3). Last evaluated 2025-12-20.

Conditions:
Hajdu-Cheney syndrome (HJCYS). Also called: ACROOSTEOLYSIS WITH OSTEOPOROSIS AND CHANGES IN SKULL AND MANDIBLE; SERPENTINE FIBULA-POLYCYSTIC KIDNEY SYNDROME; Acroosteolysis dominant type. Identifiers: Orphanet 955, MedGen C0917715, MONDO:0007057, OMIM 102500.
Alagille syndrome due to a NOTCH2 point mutation. Also called: Alagille syndrome 2. Identifiers: Orphanet 261629, Orphanet 52, MedGen C1857761, MONDO:0012439, OMIM 610205.
NOTCH2-related disorder. Also called: NOTCH2-related condition.

Allele frequency attached by ClinVar (database versions not stated): 1000 Genomes Project below 0.00001; ExAC 0.00012; gnomAD exomes 0.00012; gnomAD 0.00015 and 0.00016; TOPMed 0.00017; ESP Exome Variant Server 0.00031.
gnomAD v4.1: 518 of 1,614,034 alleles (0.032%); highest among the groups gnomAD compares: Non-Finnish European, 0.041%; no homozygotes.

Submissions (5):

Labcorp Genetics (formerly Invitae), Labcorp
Classification: Likely benign for Hajdu-Cheney syndrome. Last evaluated: 2025-12-20. Review status: criteria provided, single submitter. Criteria: Invitae Variant Classification Sherloc (09022015). Collection method: clinical testing. Allele origin: germline.

PreventionGenetics, part of Exact Sciences
Classification: Likely benign for NOTCH2-related condition. Last evaluated: 2024-12-18. Review status: criteria provided, single submitter. Criteria: ACMG Guidelines, 2015. Collection method: clinical testing. Allele origin: germline.
Comment: This variant is classified as likely benign based on ACMG/AMP sequence variant interpretation guidelines (Richards et al. 2015 PMID: 25741868, with internal and published modifications).

Blueprint Genetics
Classification: Likely benign. Last evaluated: 2024-11-11. Review status: criteria provided, single submitter. Criteria: ACMG Guidelines, 2015. Collection method: clinical testing. Allele origin: germline.

Fulgent Genetics
Classification: Uncertain significance for Hajdu-Cheney syndrome; Alagille syndrome due to a NOTCH2 point mutation. Last evaluated: 2018-10-31. Review status: criteria provided, single submitter. Criteria: ACMG Guidelines, 2015. Collection method: clinical testing. Allele origin: unknown.

Eurofins Ntd Llc (ga)
Classification: Uncertain significance. Last evaluated: 2017-12-13. Review status: criteria provided, single submitter. Criteria: EGL Classification Definitions 2015. Collection method: clinical testing. Allele origin: germline. Observed: 3 variant alleles, 3 heterozygotes.